The following is an entry in ClinVar:

ClinVar aggregate classification (germline): Uncertain significance (1 of 4 stars; one submission).

Conditions:
Gastrointestinal stromal tumor. Also called: Gastrointestinal stromal tumor, somatic; Gastrointestinal stroma tumor. Identifiers: Orphanet 44890, MedGen C0238198, MeSH D046152, MONDO:0011719, OMIM 606764, HP:0100723.

Submission:

Labcorp Genetics (formerly Invitae), Labcorp
Classification: Uncertain significance for Gastrointestinal stromal tumor. Last evaluated: 2024-02-24. Review status: criteria provided, single submitter. Criteria: Invitae Variant Classification Sherloc (09022015). Collection method: clinical testing. Allele origin: germline.
Comment: This sequence change replaces asparagine, which is neutral and polar, with serine, which is neutral and polar, at codon 787 of the KIT protein (p.Asn787Ser). This variant is not present in population databases (gnomAD no frequency). This variant has not been reported in the literature in individuals affected with KIT-related conditions. An algorithm developed to predict the effect of missense changes on protein structure and function (PolyPhen-2) suggests that this variant is likely to be disruptive. In summary, the available evidence is currently insufficient to determine the role of this variant in disease. Therefore, it has been classified as a Variant of Uncertain Significance.

NM_000222.3(KIT):c.2360A>G (p.Asn787Ser)

Gene: KIT (KIT proto-oncogene, receptor tyrosine kinase; plus strand). Cytogenetic location: 4q12.
Variant type: single nucleotide variant.
Coding change: c.2360A>G on transcript NM_000222.3 (MANE Select); coding-DNA position 2360, A replaced by G.
Protein change: p.Asn787Ser; replaces asparagine 787 with serine.
Molecular consequence: missense variant.
Genome position (GRCh38, 1-based): chr4:54,731,997, A>G. VCF-style: chr4-54731997-A-G. GRCh37 (hg19) VCF-style: chr4-55598163-A-G.
Other names: c.2348A>G, p.Asn783Ser (NM_001093772.2, NM_001385292.1); c.2363A>G, p.Asn788Ser (NM_001385284.1); c.2357A>G, p.Asn786Ser (NM_001385285.1); c.2345A>G, p.Asn782Ser (NM_001385286.1); c.2351A>G, p.Asn784Ser (NM_001385288.1); c.2360A>G, p.Asn787Ser (NM_001385290.1); short protein forms N783S, N787S, N788S, N786S, N782S, N784S.
Identifiers: ClinVar variation 3643116 (VCV003643116.2).